The following is an entry in ClinVar:

ClinVar aggregate classification (germline): Uncertain significance. Review status: criteria provided, multiple submitters, no conflicts (2 of 4 stars). 2 submissions from 2 submitters: Uncertain significance (2). Last evaluated 2025-12-19.

Conditions:
CSMD1-related disorder. Also called: CSMD1-related condition.

gnomAD v4.1: 6 of 1,601,956 alleles (0.00037%); highest among the groups gnomAD compares: Admixed American, 0.0086%; no homozygotes.

Submissions (2):

3billion
Classification: Uncertain significance for CSMD1-related disorder. Last evaluated: 2025-12-19. Review status: criteria provided, single submitter. Criteria: ACMG Guidelines, 2015. Collection method: clinical testing. Allele origin: germline. Affected: yes.
Comment: The variant is observed at an extremely low frequency in the gnomAD v4.1.0 dataset (total allele frequency: <0.001%). Predicted Consequence/Location: Missense variant In silico tool predictions suggest no damaging effect of the variant on gene or gene product [REVEL: 0.15 (<0.4); 3Cnet: 0.00 (<0.1, specificity 0.84 and negative predicitive value 0.97)]. The variant has been reported as of uncertain significance (ClinVar ID: VCV003836755). Different missense changes at the same codon have been reported as of uncertain significance (ClinVar ID: VCV004234991). Therefore, this variant is classified as VUS according to the recommendation of ACMG/AMP guideline.

Ambry Genetics
Classification: Uncertain significance. Last evaluated: 2025-02-22. Review status: criteria provided, single submitter. Criteria: Ambry Variant Classification Scheme 2023. Collection method: clinical testing. Allele origin: germline.

NM_033225.6(CSMD1):c.2723A>C (p.Asp908Ala)

Gene: CSMD1 (CUB and Sushi multiple domains 1; minus strand). Cytogenetic location: 8p23.2.
Variant type: single nucleotide variant.
Coding change: c.2723A>C on transcript NM_033225.6 (MANE Select); coding-DNA position 2723, A replaced by C.
Protein change: p.Asp908Ala; replaces aspartic acid 908 with alanine.
Molecular consequence: missense variant.
Genome position (GRCh38, 1-based): chr8:3,387,553, T>G on the plus strand (A>C on the coding strand, the complement: CSMD1 is on the minus strand). VCF-style: chr8-3387553-T-G. GRCh37 (hg19) VCF-style: chr8-3245075-T-G.
Other names: short protein forms D908A.
Identifiers: ClinVar variation 3836755 (VCV003836755.2).
Genomic context (GRCh38, chr8:3,387,553, plus strand): 5'-CCGTCGCAGCTGGGCAAGGCGTGGTTCCACTGGTGGTTCCTCTCACAGACGAGGGGCTCG[T>G]CGTCACTTAGTGTGTACCCCGGGTCACAGCTGAAAGTCACTGTGGACCTGATGCCAAAGT-3'
Protein context (NP_150094.5, residues 898-918): SCDPGYTLSD[Asp908Ala]EPLVCERNHQ